The following is an entry in ClinVar:

ClinVar aggregate classification (germline): Uncertain significance (1 of 4 stars; one submission).

Conditions:
Polyglandular autoimmune syndrome, type 1 (APS1). Also called: Autoimmune polyendocrinopathy syndrome , type I, with or without reversible metaphyseal dysplasia; Whitaker syndrome; Autoimmune polyendocrinopathy syndrome, type I; AUTOIMMUNE POLYENDOCRINE SYNDROME, TYPE I, WITH OR WITHOUT REVERSIBLE METAPHYSEAL DYSPLASIA; APS I; HYPOADRENOCORTICISM WITH HYPOPARATHYROIDISM AND SUPERFICIAL MONILIASIS. Identifiers: Orphanet 3453, MedGen C0085859, MONDO:0009411, OMIM 240300.

Submission:

Labcorp Genetics (formerly Invitae), Labcorp
Classification: Uncertain significance for Polyglandular autoimmune syndrome, type 1. Last evaluated: 2023-10-03. Review status: criteria provided, single submitter. Criteria: Invitae Variant Classification Sherloc (09022015). Collection method: clinical testing. Allele origin: germline.
Comment: This sequence change replaces valine, which is neutral and non-polar, with leucine, which is neutral and non-polar, at codon 443 of the AIRE protein (p.Val443Leu). This variant is not present in population databases (gnomAD no frequency). This variant has not been reported in the literature in individuals affected with AIRE-related conditions. Advanced modeling of protein sequence and biophysical properties (such as structural, functional, and spatial information, amino acid conservation, physicochemical variation, residue mobility, and thermodynamic stability) performed at Invitae indicates that this missense variant is not expected to disrupt AIRE protein function. In summary, the available evidence is currently insufficient to determine the role of this variant in disease. Therefore, it has been classified as a Variant of Uncertain Significance.

NM_000383.4(AIRE):c.1327G>C (p.Val443Leu)

Gene: AIRE (autoimmune regulator; plus strand). Cytogenetic location: 21q22.3.
Variant type: single nucleotide variant.
Coding change: c.1327G>C on transcript NM_000383.4 (MANE Select); coding-DNA position 1327, G replaced by C.
Protein change: p.Val443Leu; replaces valine 443 with leucine.
Molecular consequence: missense variant.
Genome position (GRCh38, 1-based): chr21:44,293,837, G>C. VCF-style: chr21-44293837-G-C. GRCh37 (hg19) VCF-style: chr21-45713720-G-C.
Other names: short protein forms V443L.
Identifiers: ClinVar variation 2764870 (VCV002764870.3), dbSNP rs557522986, ClinGen allele CA410425695.